The following is an entry in ClinVar:

NM_003052.5(SLC34A1):c.824C>T (p.Thr275Met)

Gene: SLC34A1 (solute carrier family 34 member 1; plus strand). Cytogenetic location: 5q35.3.
Variant type: single nucleotide variant.
Coding change: c.824C>T on transcript NM_003052.5 (MANE Select); coding-DNA position 824, C replaced by T.
Protein change: p.Thr275Met; replaces threonine 275 with methionine.
Molecular consequence: missense variant.
Genome position (GRCh38, 1-based): chr5:177,388,173, C>T. VCF-style: chr5-177388173-C-T. GRCh37 (hg19) VCF-style: chr5-176815174-C-T.
Other names: c.824C>T, p.Thr275Met (NM_001167579.2); short protein forms T275M.
Identifiers: ClinVar variation 2516191 (VCV002516191.5), dbSNP rs770889982, ClinGen allele CA3580524.

ClinVar aggregate classification (germline): Uncertain significance. Review status: criteria provided, multiple submitters, no conflicts (2 of 4 stars). 3 submissions from 3 submitters: Uncertain significance (3). Last evaluated 2026-09-24.

Conditions:
SLC34A1-related disorder. Also called: SLC34A1-related condition; SLC34A1-related disorders.
Inborn genetic diseases. Identifiers: MedGen C0950123, MeSH D030342.

Allele frequency attached by ClinVar (database versions not stated): TOPMed 0.00001; ExAC 0.00002.

Submissions (3):

PreventionGenetics, part of Exact Sciences
Classification: Uncertain significance for SLC34A1-related condition. Last evaluated: 2026-09-24. Review status: criteria provided, single submitter. Criteria: ACMG Guidelines, 2015. Collection method: clinical testing. Allele origin: germline.
Comment: The SLC34A1 c.824C>T variant is predicted to result in the amino acid substitution p.Thr275Met. To our knowledge, this variant has not been reported in the literature. This variant is reported in 0.0098% of alleles in individuals of South Asian descent in gnomAD. At this time, the clinical significance of this variant is uncertain due to the absence of conclusive functional and genetic evidence.

Labcorp Genetics (formerly Invitae), Labcorp
Classification: Uncertain significance. Last evaluated: 2024-01-02. Review status: criteria provided, single submitter. Criteria: Invitae Variant Classification Sherloc (09022015). Collection method: clinical testing. Allele origin: germline.
Comment: This sequence change replaces threonine, which is neutral and polar, with methionine, which is neutral and non-polar, at codon 275 of the SLC34A1 protein (p.Thr275Met). This variant is present in population databases (rs770889982, gnomAD 0.01%). This variant has not been reported in the literature in individuals affected with SLC34A1-related conditions. ClinVar contains an entry for this variant (Variation ID: 2516191). Advanced modeling of protein sequence and biophysical properties (such as structural, functional, and spatial information, amino acid conservation, physicochemical variation, residue mobility, and thermodynamic stability) has been performed at Invitae for this missense variant, however the output from this modeling did not meet the statistical confidence thresholds required to predict the impact of this variant on SLC34A1 protein function. In summary, the available evidence is currently insufficient to determine the role of this variant in disease. Therefore, it has been classified as a Variant of Uncertain Significance.

Ambry Genetics
Classification: Uncertain significance for Inborn genetic diseases. Last evaluated: 2023-06-06. Review status: criteria provided, single submitter. Criteria: Ambry Variant Classification Scheme 2023. Collection method: clinical testing. Allele origin: germline.